The following is an entry in ClinVar:

NM_000426.4(LAMA2):c.8358-76C>T

Gene: LAMA2 (laminin subunit alpha 2; plus strand). Cytogenetic location: 6q22.33.
Variant type: single nucleotide variant.
Coding change: c.8358-76C>T on transcript NM_000426.4 (MANE Select); 76 bases into the intron before coding-DNA position 8358, C replaced by T.
Molecular consequence: intron variant.
Genome position (GRCh38, 1-based): chr6:129,503,015, C>T. VCF-style: chr6-129503015-C-T. GRCh37 (hg19) VCF-style: chr6-129824160-C-T.
Other names: c.8346-76C>T (NM_001079823.2).
Identifiers: ClinVar variation 677669 (VCV000677669.1), dbSNP rs41285290, ClinGen allele CA146923767.

ClinVar aggregate classification (germline): Likely benign (1 of 4 stars; one submission).

Allele frequency attached by ClinVar (database versions not stated): gnomAD 0.00850; 1000 Genomes Project 30x 0.00312; 1000 Genomes Project 0.00359; TOPMed 0.00890.
gnomAD v4.1: 15,552 of 1,361,432 alleles (1.1%); highest among the groups gnomAD compares: Non-Finnish European, 1.4%; 122 homozygotes.

Submission:

GeneDx
Classification: Likely benign. Last evaluated: 2018-06-16. Review status: criteria provided, single submitter. Criteria: GeneDx Variant Classification (06012015). Collection method: clinical testing. Allele origin: germline. Affected: yes.
Comment: This variant is considered likely benign or benign based on one or more of the following criteria: it is a conservative change, it occurs at a poorly conserved position in the protein, it is predicted to be benign by multiple in silico algorithms, and/or has population frequency not consistent with disease.